The following is an entry in ClinVar:

ClinVar aggregate classification (germline): Likely benign (1 of 4 stars; one submission).

Conditions:
Cardiomyopathy (CMYO). Also called: Cardiomyopathies. Identifiers: Orphanet 167848, MedGen C0878544, MONDO:0004994, HP:0001638. Inheritance: Various modes of inheritance.

Submission:

All of Us Research Program, National Institutes of Health
Classification: Likely benign for Cardiomyopathy. Last evaluated: 2023-03-23. Review status: criteria provided, single submitter. Criteria: ACMG Guidelines, 2015. Collection method: clinical testing. Allele origin: germline. Inheritance: Autosomal dominant inheritance. Observed: 1 variant allele, 1 heterozygote.
Comment: This study involves interpretation of variants in research participants for the purpose of population health screening. Participant phenotype was not available at the time of variant classification. Additional details can be found in publication PMID: 35346344, PMCID: PMC8962531

NM_000257.4(MYH7):c.3337-3C>T

Gene: MYH7 (myosin heavy chain 7; minus strand). Cytogenetic location: 14q11.2.
Variant type: single nucleotide variant.
Coding change: c.3337-3C>T on transcript NM_000257.4 (MANE Select); 3 bases into the intron before coding-DNA position 3337, C replaced by T.
Molecular consequence: intron variant.
Genome position (GRCh38, 1-based): chr14:23,420,237, G>A on the plus strand (C>T on the coding strand, the complement: MYH7 is on the minus strand). VCF-style: chr14-23420237-G-A. GRCh37 (hg19) VCF-style: chr14-23889446-G-A.
Other names: c.3337-3C>T (NM_001407004.1).
Identifiers: ClinVar variation 3069986 (VCV003069986.1), dbSNP rs2502265463, ClinGen allele CA2800863032.
Genomic context (GRCh38, chr14:23,420,237, plus strand): 5'-CCTTAGCCCTGGCGGTGCGCTCGGCCTCCAGCTCCTCCTCCAGCTCCTCGATGCGTGCCT[G>A]GTCAGACACAAAGGGCTCAGACCCACCGCCTGGACCCCTCCACTGGAATCCCCCCGGCTC-3'